The following is an entry in ClinVar:

NM_001111125.3(IQSEC2):c.1925C>G (p.Pro642Arg)

Gene: IQSEC2 (IQ motif and Sec7 domain ArfGEF 2; minus strand). Cytogenetic location: Xp11.22.
Variant type: single nucleotide variant.
Coding change: c.1925C>G on transcript NM_001111125.3 (MANE Select); coding-DNA position 1925, C replaced by G.
Protein change: p.Pro642Arg; replaces proline 642 with arginine.
Molecular consequence: missense variant.
Genome position (GRCh38, 1-based): chrX:53,250,651, G>C on the plus strand (C>G on the coding strand, the complement: IQSEC2 is on the minus strand). VCF-style: chrX-53250651-G-C. GRCh37 (hg19) VCF-style: chrX-53279833-G-C.
Other names: c.1925C>G, p.Pro642Arg (NM_001410736.1); c.1310C>G, p.Pro437Arg (NM_015075.2); short protein forms P437R, P642R.
Identifiers: ClinVar variation 1782754 (VCV001782754.2), dbSNP rs2074371712, ClinGen allele CA413162819.

ClinVar aggregate classification (germline): Uncertain significance (1 of 4 stars; one submission).

Conditions:
Inborn genetic diseases. Identifiers: MedGen C0950123, MeSH D030342.

Submission:

Ambry Genetics
Classification: Uncertain significance for Inborn genetic diseases. Last evaluated: 2019-09-26. Review status: criteria provided, single submitter. Criteria: Ambry Variant Classification Scheme 2023. Collection method: clinical testing. Allele origin: germline.
Comment: The p.P642R variant (also known as c.1925C>G), located in coding exon 5 of the IQSEC2 gene, results from a C to G substitution at nucleotide position 1925. The proline at codon 642 is replaced by arginine, an amino acid with dissimilar properties. This amino acid position is well conserved in available vertebrate species. In addition, this alteration is predicted to be tolerated by in silico analysis. Since supporting evidence is limited at this time, the clinical significance of this alteration remains unclear.